The following is an entry in ClinVar:

NM_002911.4(UPF1):c.1157-5C>G

Gene: UPF1 (UPF1 RNA helicase and ATPase; plus strand). Cytogenetic location: 19p13.11.
Variant type: single nucleotide variant.
Coding change: c.1157-5C>G on transcript NM_002911.4 (MANE Select); 5 bases into the intron before coding-DNA position 1157, C replaced by G.
Molecular consequence: intron variant.
Genome position (GRCh38, 1-based): chr19:18,854,596, C>G. VCF-style: chr19-18854596-C-G. GRCh37 (hg19) VCF-style: chr19-18965405-C-G.
Other names: c.1190-5C>G (NM_001297549.2).
Identifiers: ClinVar variation 4602276 (VCV004602276.1).

ClinVar aggregate classification (germline): Uncertain significance (1 of 4 stars; one submission).

Submission:

Ambry Genetics
Classification: Uncertain significance. Last evaluated: 2025-10-21. Review status: criteria provided, single submitter. Criteria: Ambry Variant Classification Scheme 2023. Collection method: clinical testing. Allele origin: germline.
Comment: The c.1157-5C>G intronic alteration consists of a C to G substitution 5 nucleotides before exon 9 (coding exon 9) of the UPF1 gene. This variant was not reported in population-based cohorts in the Genome Aggregation Database (gnomAD). This nucleotide position is not well conserved in available vertebrate species. In silico splice site analysis predicts that this alteration may weaken the native splice acceptor site and will result in the creation or strengthening of a novel splice acceptor site. Based on insufficient or conflicting evidence, the clinical significance of this alteration remains unclear.